The following is an entry in ClinVar:

NM_000057.4(BLM):c.1808C>G (p.Ala603Gly)

Gene: BLM (BLM RecQ like helicase; plus strand). Cytogenetic location: 15q26.1.
Variant type: single nucleotide variant.
Coding change: c.1808C>G on transcript NM_000057.4 (MANE Select); coding-DNA position 1808, C replaced by G.
Protein change: p.Ala603Gly; replaces alanine 603 with glycine.
Molecular consequence: missense variant.
Genome position (GRCh38, 1-based): chr15:90,761,181, C>G. VCF-style: chr15-90761181-C-G. GRCh37 (hg19) VCF-style: chr15-91304411-C-G.
Other names: c.1808C>G (NM_000057.2); c.1808C>G, p.Ala603Gly (NM_001287246.2, NM_001287247.2); c.683C>G, p.Ala228Gly (NM_001287248.2); short protein forms A603G, A228G.
Identifiers: ClinVar variation 581544 (VCV000581544.11), dbSNP rs1567041486, ClinGen allele CA393843885.

ClinVar aggregate classification (germline): Uncertain significance. Review status: criteria provided, multiple submitters, no conflicts (2 of 4 stars). 3 submissions from 3 submitters: Uncertain significance (2). 1 of the submissions does not count toward it. Last evaluated 2025-07-12.

Conditions:
Hereditary cancer-predisposing syndrome. Also called: Neoplastic Syndromes, Hereditary; Hereditary Cancer Syndrome; Tumor predisposition; Hereditary neoplastic syndrome. Identifiers: Orphanet 140162, MedGen C0027672, MeSH D009386, MONDO:0015356.
Bloom syndrome (BLM). Also called: Bloom-Torre-Machacek syndrome. Identifiers: Orphanet 125, MedGen C0005859, MONDO:0008876, OMIM 210900.

Submissions (3):

Ambry Genetics
Classification: Uncertain significance for Hereditary cancer-predisposing syndrome. Last evaluated: 2025-07-12. Review status: criteria provided, single submitter. Criteria: Ambry Variant Classification Scheme 2023. Collection method: clinical testing. Allele origin: germline.
Comment: The p.A603G variant (also known as c.1808C>G), located in coding exon 6 of the BLM gene, results from a C to G substitution at nucleotide position 1808. The alanine at codon 603 is replaced by glycine, an amino acid with similar properties. This amino acid position is conserved. In addition, this alteration is predicted to be tolerated by in silico analysis. Since supporting evidence is limited at this time, the clinical significance of this alteration remains unclear.

Labcorp Genetics (formerly Invitae), Labcorp
Classification: Uncertain significance for Bloom syndrome. Last evaluated: 2022-09-07. Review status: criteria provided, single submitter. Criteria: Invitae Variant Classification Sherloc (09022015). Collection method: clinical testing. Allele origin: germline.
Comment: This sequence change replaces alanine, which is neutral and non-polar, with glycine, which is neutral and non-polar, at codon 603 of the BLM protein (p.Ala603Gly). This variant is not present in population databases (gnomAD no frequency). This variant has not been reported in the literature in individuals affected with BLM-related conditions. ClinVar contains an entry for this variant (Variation ID: 581544). Algorithms developed to predict the effect of missense changes on protein structure and function (SIFT, PolyPhen-2, Align-GVGD) all suggest that this variant is likely to be tolerated. In summary, the available evidence is currently insufficient to determine the role of this variant in disease. Therefore, it has been classified as a Variant of Uncertain Significance.

Natera, Inc.
Classification: Uncertain significance for Bloom syndrome. Last evaluated: 2021-03-31. Review status: no assertion criteria provided. Collection method: clinical testing. Allele origin: germline. Not counted in ClinVar's aggregate classification.